The following is an entry in ClinVar:

ClinVar aggregate classification (germline): Conflicting classifications of pathogenicity. Review status: criteria provided, conflicting classifications (1 of 4 stars). 14 submissions from 14 submitters: Uncertain significance (12); Likely benign (1). 1 of the submissions does not count toward it. Last evaluated 2026-03-03.

Conditions:
Von Hippel-Lindau syndrome (VHLS). Also called: VHL syndrome; von Hippel–Lindau syndrome; Von Hippel-Lindau. Identifiers: Orphanet 892, MedGen C0019562, MONDO:0008667, OMIM 193300. Disease mechanism: loss of function.
VHL-related disorder. Also called: VHL-related condition.
Chuvash polycythemia. Also called: POLYCYTHEMIA, VHL-DEPENDENT. Identifiers: Orphanet 238557, MedGen C1837915, MONDO:0009892, OMIM 263400.
Hereditary cancer-predisposing syndrome. Also called: Hereditary neoplastic syndrome; Neoplastic Syndromes, Hereditary; Hereditary Cancer Syndrome; Tumor predisposition. Identifiers: Orphanet 140162, MedGen C0027672, MeSH D009386, MONDO:0015356.
Nonpapillary renal cell carcinoma. Identifiers: Orphanet 422526, MedGen CN074294, MONDO:0007763, OMIM 144700.
Pheochromocytoma. Also called: MAX-Related Hereditary Paraganglioma-Pheochromocytoma Syndrome. Identifiers: Orphanet 29072, MedGen C0031511, MONDO:0008233, OMIM 171300, HP:0002666.

Allele frequency attached by ClinVar (database versions not stated): gnomAD exomes 0.00001; TOPMed 0.00001; gnomAD 0.00002.
gnomAD v4.1: 43 of 1,613,852 alleles (0.0027%); highest among the groups gnomAD compares: Non-Finnish European, 0.0034%; no homozygotes.

Submissions (14):

PreventionGenetics, part of Exact Sciences
Classification: Uncertain significance for VHL-related condition. Last evaluated: 2026-03-03. Review status: criteria provided, single submitter. Criteria: ACMG Guidelines, 2015. Collection method: clinical testing. Allele origin: germline.
Comment: The VHL c.439A>G variant is predicted to result in the amino acid substitution p.Ile147Val. This variant was reported in an individual with clear cell renal carcinoma (Petersson et al. 2011. PubMed ID: 20952280). This variant is reported in 0.0023% of alleles in individuals of European (Non-Finnish) descent in gnomAD and is classified as a variant of uncertain significance in ClinVar (Variation ID: 371833). At this time, the clinical significance of this variant is uncertain due to the absence of conclusive functional and genetic evidence.

Labcorp Genetics (formerly Invitae), Labcorp
Classification: Uncertain significance for Von Hippel-Lindau syndrome; Chuvash polycythemia. Last evaluated: 2025-10-27. Review status: criteria provided, single submitter. Criteria: Invitae Variant Classification Sherloc (09022015). Collection method: clinical testing. Allele origin: germline.
Comment: This sequence change replaces isoleucine, which is neutral and non-polar, with valine, which is neutral and non-polar, at codon 147 of the VHL protein (p.Ile147Val). This variant is present in population databases (no rsID available, gnomAD 0.002%). This missense change has been observed in individual(s) with clear cell renal cancer (PMID: 20952280). ClinVar contains an entry for this variant (Variation ID: 371833). Invitae Evidence Modeling of protein sequence and biophysical properties (such as structural, functional, and spatial information, amino acid conservation, physicochemical variation, residue mobility, and thermodynamic stability) indicates that this missense variant is expected to disrupt VHL protein function with a positive predictive value of 80%. In summary, the available evidence is currently insufficient to determine the role of this variant in disease. Therefore, it has been classified as a Variant of Uncertain Significance.

Dasa
Classification: Likely benign. Last evaluated: 2025-10-03. Review status: criteria provided, single submitter. Criteria: DASA Assertion Criteria. Collection method: clinical testing. Allele origin: germline.
Comment: NM_000551.4(VHL):c.439A>G (p.Ile147Val) is a missense variant that results in the substitution of isoleucine with valine. Population frequency is inconsistent with a disease-causing role for this variant. Computational prediction algorithms are consistent with a benign effect. Therefore, based on the currently available evidence, this variant is classified as likely benign.

GeneDx
Classification: Uncertain significance. Last evaluated: 2025-07-25. Review status: criteria provided, single submitter. Criteria: GeneDx Variant Classification Process June 2021. Collection method: clinical testing. Allele origin: germline. Affected: yes.
Comment: Not observed at significant frequency in large population cohorts (gnomAD); In silico analysis suggests that this missense variant does not alter protein structure/function; Observed in an individual with bilateral renal carcinomas (PMID: 20952280); This variant is associated with the following publications: (PMID: 27930734, 25742471, 20952280, 40650005)

Ambry Genetics
Classification: Uncertain significance for Hereditary cancer-predisposing syndrome. Last evaluated: 2024-08-21. Review status: criteria provided, single submitter. Criteria: Ambry Variant Classification Scheme 2023. Collection method: clinical testing. Allele origin: germline.
Comment: The p.I147V variant (also known as c.439A>G), located in coding exon 2 of the VHL gene, results from an A to G substitution at nucleotide position 439. The isoleucine at codon 147 is replaced by valine, an amino acid with highly similar properties. This amino acid position is well conserved in available vertebrate species. In addition, the in silico prediction for this alteration is inconclusive. Since supporting evidence is limited at this time, the clinical significance of this alteration remains unclear.

Color Diagnostics, LLC DBA Color Health
Classification: Uncertain significance for Von Hippel-Lindau syndrome. Last evaluated: 2024-07-11. Review status: criteria provided, single submitter. Criteria: ACMG Guidelines, 2015. Collection method: clinical testing. Allele origin: germline.
Comment: This missense variant replaces isoleucine with valine at codon 147 of the VHL protein. Computational prediction suggests that this variant may not impact protein structure and function. To our knowledge, functional studies have not been reported for this variant. This variant has been reported in an individual affected with bilateral renal carcinoma (PMID: 20952280). This variant has been identified in 3/282874 chromosomes in the general population by the Genome Aggregation Database (gnomAD). The available evidence is insufficient to determine the role of this variant in disease conclusively. Therefore, this variant is classified as a Variant of Uncertain Significance.

Baylor Genetics
Classification: Uncertain significance for Chuvash polycythemia. Last evaluated: 2024-03-11. Review status: criteria provided, single submitter. Criteria: ACMG Guidelines, 2015. Collection method: clinical testing. Allele origin: unknown.

Quest Diagnostics Nichols Institute San Juan Capistrano
Classification: Uncertain significance. Last evaluated: 2023-12-06. Review status: criteria provided, single submitter. Criteria: Quest Diagnostics criteria. Collection method: clinical testing. Allele origin: unknown.

Department of Pathology and Laboratory Medicine, Sinai Health System
Classification: Uncertain significance for Nonpapillary renal cell carcinoma; Pheochromocytoma; Von Hippel-Lindau syndrome; Chuvash polycythemia. Last evaluated: 2023-08-14. Review status: criteria provided, single submitter. Criteria: ACMG Guidelines, 2015. Collection method: clinical testing. Allele origin: germline. Affected: yes.

Sema4
Classification: Uncertain significance for Hereditary cancer-predisposing syndrome. Last evaluated: 2021-08-17. Review status: criteria provided, single submitter. Criteria: Sema4 Curation Guidelines. Collection method: curation. Allele origin: germline.
Comment: The VHL c.439A>G (p.I147V) variant has been reported in an individual with bilateral kidney cancer (PMID: 20952280). It was observed in 3/129194 chromosomes of the Non-Finnish European subpopulation in the large and broad cohorts of the Genome Aggregation Database (PMID: 32461654). The variant has been reported in ClinVar (Variation ID 371833). Functional studies have not been performed, and in silico predictions of the variant's effect on protein function are inconclusive. The evidence is insufficient to meet ACMG/AMP criteria for classifying the variant as benign or pathogenic. Thus, the clinical significance of this variant is currently uncertain.

Fulgent Genetics
Classification: Uncertain significance for Nonpapillary renal cell carcinoma; Pheochromocytoma; Von Hippel-Lindau syndrome; Chuvash polycythemia. Last evaluated: 2018-10-31. Review status: criteria provided, single submitter. Criteria: ACMG Guidelines, 2015. Collection method: clinical testing. Allele origin: unknown.

Illumina Laboratory Services, Illumina
Classification: Uncertain significance for Von Hippel-Lindau syndrome. Last evaluated: 2017-04-27. Review status: criteria provided, single submitter. Criteria: ICSL Variant Classification Criteria 13 December 2019. Collection method: clinical testing. Allele origin: germline.
Comment: This variant was observed as part of a predisposition screen in an ostensibly healthy population. A literature search was performed for the gene, cDNA change, and amino acid change (where applicable). Publications were found based on this search. However, the evidence from the literature, in combination with allele frequency data from public databases where available, was not sufficient to rule this variant in or out of causing disease. Therefore, this variant is classified as a variant of unknown significance.

Laboratory for Molecular Medicine, Mass General Brigham Personalized Medicine
Classification: Uncertain significance. Last evaluated: 2016-03-28. Review status: criteria provided, single submitter. Criteria: LMM Criteria. Collection method: clinical testing. Allele origin: germline.
Comment: Variant identified in a genome or exome case(s) and assessed due to predicted null impact of the variant or pathogenic assertions in the literature or databases. Disclaimer: This variant has not undergone full assessment. The following are preliminary notes: Only reported in 1 individual; absent from ExAC

Counsyl
Classification: Uncertain significance for Von Hippel-Lindau syndrome. Last evaluated: 2016-04-01. Review status: no assertion criteria provided. Collection method: clinical testing. Allele origin: unknown. Not counted in ClinVar's aggregate classification.

Literature cited by the submitters: PubMed 20952280 (cited by 7 submitters).

NM_000551.4(VHL):c.439A>G (p.Ile147Val)

Genes: VHL (von Hippel-Lindau tumor suppressor; plus strand), LOC107303340 (3p25 von Hippel-Lindau tumor suppressor, E3 ubiquitin protein ligase Alu-mediated recombination region; plus strand). Cytogenetic location: 3p25.3.
Variant type: single nucleotide variant.
Coding change: c.439A>G on transcript NM_000551.4 (MANE Select); coding-DNA position 439, A replaced by G.
Protein change: p.Ile147Val; replaces isoleucine 147 with valine.
Molecular consequence: missense variant. On other transcripts: intron variant (2).
Genome position (GRCh38, 1-based): chr3:10,146,612, A>G. VCF-style: chr3-10146612-A-G. GRCh37 (hg19) VCF-style: chr3-10188296-A-G.
Other names: c.*18-3175A>G (NM_001354723.2); c.341-3175A>G (NM_198156.3); short protein forms I147V.
Identifiers: ClinVar variation 371833 (VCV000371833.37), dbSNP rs1057517560, ClinGen allele CA16042063.
Genomic context (GRCh38, chr3:10,146,612, plus strand): 5'-GGGCTTCTGGTTAACCAAACTGAATTATTTGTGCCATCTCTCAATGTTGACGGACAGCCT[A>G]TTTTTGCCAATATCACACTGCCAGGTACTGACGTTTTACTTTTTAAAAAGATAAGGTTGT-3'
Protein context (NP_000542.1, residues 137-157): VPSLNVDGQP[Ile147Val]FANITLPVYT